The following is an entry in ClinVar:

ClinVar aggregate classification (germline): Pathogenic (1 of 4 stars; one submission).

Conditions:
Cockayne spectrum with or without cerebrooculofacioskeletal syndrome. Identifiers: MedGen CN315928, MONDO:0100506.

Submission:

Myriad Genetics, Inc.
Classification: Pathogenic for Cockayne spectrum with or without cerebrooculofacioskeletal syndrome. Last evaluated: 2026-08-08. Review status: criteria provided, single submitter. Criteria: Myriad Autosomal Dominant, Autosomal Recessive and X-Linked Classification Criteria (2023). Collection method: clinical testing. Allele origin: unknown.
Comment: NM_000124.2(ERCC6):c.3537T>G(Y1179*) is expected to be pathogenic in the context of ERCC6-related disorders. This variant is predicted to lead to an abnormal or absent protein product due to the creation of a premature termination codon in ERCC6, a gene where loss-of-function variants are known to be pathogenic. Please note: this variant was assessed in the context of healthy population screening.

NM_000124.4(ERCC6):c.3537T>G (p.Tyr1179Ter)

Gene: ERCC6 (ERCC excision repair 6, chromatin remodeling factor; minus strand). Cytogenetic location: 10q11.23.
Variant type: single nucleotide variant.
Coding change: c.3537T>G on transcript NM_000124.4 (MANE Select); coding-DNA position 3537, T replaced by G.
Protein change: p.Tyr1179Ter; replaces tyrosine 1179 with a stop codon.
Molecular consequence: nonsense.
Genome position (GRCh38, 1-based): chr10:49,470,423, A>C on the plus strand (T>G on the coding strand, the complement: ERCC6 is on the minus strand). VCF-style: chr10-49470423-A-C. GRCh37 (hg19) VCF-style: chr10-50678469-A-C.
Other names: c.3537T>G, p.Tyr1179Ter (NM_001346440.2); short protein forms Y1179*.
Identifiers: ClinVar variation 5016216 (VCV005016216.1).
Genomic context (GRCh38, chr10:49,470,423, plus strand): 5'-ATGTTTCTCCAGGGTCTCTTCTTCTGCCACACTATGATGTTTTGTTTTTGACTTGTGCTT[A>C]TAAAAATTATTTTCCATTTGTTTATTCTCCCAAAAAGCTTCTGTTTGAGCCTGGCTGGGT-3'